The following is an entry in ClinVar:

ClinVar aggregate classification (germline): Likely pathogenic (1 of 4 stars; one submission).

Conditions:
Familial dysautonomia. Also called: HSAN III; FD. Identifiers: Orphanet 1764, MedGen C0013364, MONDO:0009131, OMIM 223900. Disease mechanism: loss of function.

Submission:

Natera, Inc.
Classification: Likely pathogenic for Familial dysautonomia. Last evaluated: 2024-05-29. Review status: criteria provided, single submitter. Criteria: Natera Variant Classification Schema (03/2026). Collection method: clinical testing. Allele origin: germline.
Comment: The c.3346+1del variant in ELP1 is a canonical splice donor site variant predicted to affect pre-mRNA splicing, which may result in an abnormal transcript and altered protein product. This variant is expected to result in nonsense mediated decay, truncation, or a dysfunctional protein product. This variant is rare in the general population with a frequency below the threshold expected for the associated phenotype(s). Given the available evidence, this variant is classified as Likely Pathogenic.

NM_003640.5(ELP1):c.3346+1del

Gene: ELP1 (elongator acetyltransferase complex subunit 1; minus strand). Cytogenetic location: 9q31.3.
Variant type: Deletion.
Coding change: c.3346+1del on transcript NM_003640.5 (MANE Select); the canonical splice donor site of the intron after coding-DNA position 3346, one base deleted (G; older notation c.3346+1delG).
Molecular consequence: splice donor variant.
Genome position (GRCh38, 1-based): chr9:108,881,704, C deleted on the plus strand (G on the coding strand, the reverse complement: ELP1 is on the minus strand); the first of 2 consecutive C bases (chr9:108,881,704-108,881,705); deleting either gives the same sequence. VCF-style (leftmost placement, unchanged base first): chr9-108881703-AC-A. GRCh37 (hg19) VCF-style: chr9-111643983-AC-A.
Other names: c.2299+1del (NM_001330749.2); c.3004+1del (NM_001318360.2).
Identifiers: ClinVar variation 4815226 (VCV004815226.1).